The following is an entry in ClinVar:

ClinVar aggregate classification (germline): Conflicting classifications of pathogenicity. Review status: criteria provided, conflicting classifications (1 of 4 stars). 5 submissions from 5 submitters: Uncertain significance (3); Benign (1); Likely benign (1). Last evaluated 2025-07-09.

Allele frequency attached by ClinVar (database versions not stated): 1000 Genomes Project 30x 0.00031; 1000 Genomes Project 0.00040; ESP Exome Variant Server 0.00047; gnomAD exomes 0.00048; TOPMed 0.00069; ExAC 0.00070; gnomAD 0.00072 and 0.00074.
gnomAD v4.1: 1,412 of 1,583,042 alleles (0.089%); highest among the groups gnomAD compares: Non-Finnish European, 0.11%; no homozygotes.

Submissions (5):

Women's Health and Genetics/Laboratory Corporation of America, LabCorp
Classification: Likely benign. Last evaluated: 2025-07-09. Review status: criteria provided, single submitter. Criteria: LabCorp Variant Classification Summary - May 2015. Collection method: clinical testing. Allele origin: germline.
Comment: Variant summary: BLOC1S3 c.17G>A (p.Arg6His) results in a non-conservative amino acid change in the encoded protein sequence. Algorithms developed to predict the effect of missense changes on protein structure and function are either unavailable or do not agree on the potential impact of this missense change. The variant allele was found at a frequency of 0.00048 in 213500 control chromosomes (gnomAD). The observed variant frequency is approximately 3.05 fold of the estimated maximal expected allele frequency for a pathogenic variant in BLOC1S3 causing Hermansky-Pudlak Syndrome phenotype (0.00016). To our knowledge, no occurrence of c.17G>A in individuals affected with Hermansky-Pudlak Syndrome and no experimental evidence demonstrating its impact on protein function have been reported. ClinVar contains an entry for this variant (Variation ID: 1369418). Based on the evidence outlined above, the variant was classified as likely benign.

Mayo Clinic Laboratories, Mayo Clinic
Classification: Benign. Last evaluated: 2025-06-16. Review status: criteria provided, single submitter. Criteria: ACMG Guidelines, 2015. Collection method: clinical testing. Allele origin: germline. Observed: 2 variant alleles.
Comment: BA1, BP4_moderate, PM1_supporting

Blueprint Genetics
Classification: Uncertain significance. Last evaluated: 2024-10-17. Review status: criteria provided, single submitter. Criteria: ACMG Guidelines, 2015. Collection method: clinical testing. Allele origin: germline.

GeneDx
Classification: Uncertain significance. Last evaluated: 2023-04-11. Review status: criteria provided, single submitter. Criteria: GeneDx Variant Classification Process June 2021. Collection method: clinical testing. Allele origin: germline. Affected: yes.
Comment: In silico analysis supports that this missense variant does not alter protein structure/function; Has not been previously published as pathogenic or benign to our knowledge

Labcorp Genetics (formerly Invitae), Labcorp
Classification: Uncertain significance. Last evaluated: 2022-11-03. Review status: criteria provided, single submitter. Criteria: Invitae Variant Classification Sherloc (09022015). Collection method: clinical testing. Allele origin: germline.
Comment: This sequence change replaces arginine, which is basic and polar, with histidine, which is basic and polar, at codon 6 of the BLOC1S3 protein (p.Arg6His). This variant is present in population databases (rs145609489, gnomAD 0.09%), and has an allele count higher than expected for a pathogenic variant. This variant has not been reported in the literature in individuals affected with BLOC1S3-related conditions. ClinVar contains an entry for this variant (Variation ID: 1369418). Algorithms developed to predict the effect of missense changes on protein structure and function are either unavailable or do not agree on the potential impact of this missense change (SIFT: "Tolerated"; PolyPhen-2: "Possibly Damaging"; Align-GVGD: "Class C0"). In summary, the available evidence is currently insufficient to determine the role of this variant in disease. Therefore, it has been classified as a Variant of Uncertain Significance.

Literature cited by the submitters: PubMed 28748566 (cited by Mayo Clinic Laboratories, Mayo Clinic).

NM_212550.5(BLOC1S3):c.17G>A (p.Arg6His)

Gene: BLOC1S3 (biogenesis of lysosomal organelles complex 1 subunit 3; plus strand). Cytogenetic location: 19q13.32.
Variant type: single nucleotide variant.
Coding change: c.17G>A on transcript NM_212550.5 (MANE Select); coding-DNA position 17, G replaced by A.
Protein change: p.Arg6His; replaces arginine 6 with histidine.
Molecular consequence: missense variant.
Genome position (GRCh38, 1-based): chr19:45,179,313, G>A. VCF-style: chr19-45179313-G-A. GRCh37 (hg19) VCF-style: chr19-45682571-G-A.
Other names: p.Arg6His; short protein forms R6H.
Identifiers: ClinVar variation 1369418 (VCV001369418.7), dbSNP rs145609489, ClinGen allele CA9510194.